The following is an entry in ClinVar:

NM_001972.4(ELANE):c.367-2A>G

Gene: ELANE (elastase, neutrophil expressed; plus strand). Cytogenetic location: 19p13.3.
Variant type: single nucleotide variant.
Coding change: c.367-2A>G on transcript NM_001972.4 (MANE Select); the canonical splice acceptor site of the intron before coding-DNA position 367, A replaced by G.
Molecular consequence: splice acceptor variant.
Genome position (GRCh38, 1-based): chr19:855,562, A>G. VCF-style: chr19-855562-A-G. GRCh37 (hg19) VCF-style: chr19-855562-A-G.
Identifiers: ClinVar variation 4994229 (VCV004994229.1).

ClinVar aggregate classification (germline): Likely pathogenic (1 of 4 stars; one submission).

Conditions:
ELANE-related disorder. Also called: ELANE-related condition.

Submission:

PreventionGenetics, part of Exact Sciences
Classification: Likely pathogenic for ELANE-related condition. Last evaluated: 2025-09-12. Review status: criteria provided, single submitter. Criteria: ACMG Guidelines, 2015. Collection method: clinical testing. Allele origin: germline.
Comment: The ELANE c.367-2A>G variant is predicted to disrupt the AG splice acceptor site and interfere with normal splicing. To our knowledge, this variant has not been reported in the literature or in a large population database (gnomAD), indicating this variant is rare. An alternate nucleotide change affecting the same splice acceptor site has been reported in an individual with cyclic neutropenia (IVS3-2A>C, Fig 1, Makaryan et al. 2015. PubMed ID: 25427142). Variants that disrupt the consensus splice acceptor site in ELANE are expected to be pathogenic. This variant is interpreted as likely pathogenic.